The following is an entry in ClinVar:

ClinVar aggregate classification (germline): Pathogenic (1 of 4 stars; one submission).

Conditions:
Hereditary cancer-predisposing syndrome. Also called: Neoplastic Syndromes, Hereditary; Tumor predisposition; Hereditary Cancer Syndrome; Hereditary neoplastic syndrome. Identifiers: Orphanet 140162, MedGen C0027672, MeSH D009386, MONDO:0015356.

Submission:

Color Diagnostics, LLC DBA Color Health
Classification: Pathogenic for Hereditary cancer-predisposing syndrome. Last evaluated: 2019-10-14. Review status: criteria provided, single submitter. Criteria: ACMG Guidelines, 2015. Collection method: clinical testing. Allele origin: germline.
Comment: This variant deletes 2 nucleotides in exon 5 of the BARD1 gene, creating a frameshift and premature translation stop signal. This variant is expected to result in an absent or non-functional protein product. Splice site prediction tools suggest that this variant may not impact RNA splicing. To our knowledge, functional studies have not been performed for this variant. This variant has not been reported in individuals affected with hereditary cancer in the literature. This variant has not been identified in the general population by the Genome Aggregation Database (gnomAD). Loss of BARD1 function is a known mechanism of disease. Based on the available evidence, this variant is classified as Pathogenic.

NM_000465.4(BARD1):c.1336_1337del (p.Tyr446fs)

Gene: BARD1 (BRCA1 associated RING domain 1; minus strand). Cytogenetic location: 2q35.
Variant type: Deletion.
Coding change: c.1336_1337del on transcript NM_000465.4 (MANE Select); coding-DNA positions 1336 to 1337, 2 bases deleted (TA; older notation c.1336_1337delTA).
Protein change: p.Tyr446fs; shifts the reading frame from tyrosine 446.
Molecular consequence: frameshift variant. On other transcripts: non-coding transcript variant (3), intron variant (3).
Genome position (GRCh38, 1-based): chr2:214,769,290-214,769,291, TA deleted on the plus strand (TA on the coding strand, the reverse complement: BARD1 is on the minus strand); deleting any 2 consecutive bases within chr2:214,769,290-214,769,292 gives the same sequence; the c. name uses the placement nearest the transcript's 3' end. VCF-style (leftmost placement, unchanged base first): chr2-214769289-GTA-G. GRCh37 (hg19) VCF-style: chr2-215634013-GTA-G.
Other names: c.1279_1280del, p.Tyr427fs (NM_001282543.2); c.159-16736_159-16735del (NM_001282548.2); c.216-16736_216-16735del (NM_001282545.2); c.364+23006_364+23007del (NM_001282549.2); short protein forms Y446fs, Y427fs.
Identifiers: ClinVar variation 923017 (VCV000923017.3), dbSNP rs1694364224, ClinGen allele CA1139655689.